The following is an entry in ClinVar:

NM_003738.5(PTCH2):c.1663C>T (p.Arg555Trp)

Gene: PTCH2 (patched 2; minus strand). Cytogenetic location: 1p34.1.
Variant type: single nucleotide variant.
Coding change: c.1663C>T on transcript NM_003738.5 (MANE Select); coding-DNA position 1663, C replaced by T.
Protein change: p.Arg555Trp; replaces arginine 555 with tryptophan.
Molecular consequence: missense variant.
Genome position (GRCh38, 1-based): chr1:44,828,342, G>A on the plus strand (C>T on the coding strand, the complement: PTCH2 is on the minus strand). VCF-style: chr1-44828342-G-A. GRCh37 (hg19) VCF-style: chr1-45294014-G-A.
Other names: c.1663C>T, p.Arg555Trp (NM_001166292.2); short protein forms R555W.
Identifiers: ClinVar variation 524580 (VCV000524580.10), dbSNP rs369481564, ClinGen allele CA823219.
Genomic context (GRCh38, chr1:44,828,342, plus strand): 5'-GGCGCAGGCAGTACCTGGAGAAGCAGCAGAGCACATCAAGGCGCTGGCAGTGGCGCCGCC[G>A]TAGGTCCAGGCTGAGGATGGCTGGGAAGACAAGCATCACGGCTACAAAGGTGCAGCCAAC-3'
Protein context (NP_003729.3, residues 545-565): VFPAILSLDL[Arg555Trp]RRHCQRLDVL

ClinVar aggregate classification (germline): Uncertain significance. Review status: criteria provided, multiple submitters, no conflicts (2 of 4 stars). 2 submissions from 2 submitters: Uncertain significance (2). Last evaluated 2024-05-22.

Conditions:
Gorlin syndrome. Also called: Basal cell nevus syndrome; Nevoid Basal Cell Carcinoma Syndrome. Identifiers: Orphanet 377, MedGen C0004779, MONDO:0007187.
Basal cell nevus syndrome 1 (BCNS1). Also called: GORLIN-GOLTZ SYNDROME; MULTIPLE BASAL CELL NEVI, ODONTOGENIC KERATOCYSTS, AND SKELETAL ANOMALIES. Identifiers: MedGen CN376810, MONDO:0958174, OMIM 109400.

Allele frequency attached by ClinVar (database versions not stated): ExAC 0.00002; gnomAD exomes 0.00003; ESP Exome Variant Server 0.00008.
gnomAD v4.1: 16 of 1,614,126 alleles (0.00099%); highest among the groups gnomAD compares: South Asian, 0.0066%; no homozygotes.

Submissions (2):

St. Jude Molecular Pathology, St. Jude Children's Research Hospital
Classification: Uncertain significance for Basal cell nevus syndrome 1. Last evaluated: 2024-05-22. Review status: criteria provided, single submitter. Criteria: St. Jude Assertion Criteria 2020. Collection method: clinical testing. Allele origin: germline.

Labcorp Genetics (formerly Invitae), Labcorp
Classification: Uncertain significance for Gorlin syndrome. Last evaluated: 2021-06-24. Review status: criteria provided, single submitter. Criteria: Invitae Variant Classification Sherloc (09022015). Collection method: clinical testing. Allele origin: germline.
Comment: This sequence change replaces arginine with tryptophan at codon 555 of the PTCH2 protein (p.Arg555Trp). The arginine residue is moderately conserved and there is a moderate physicochemical difference between arginine and tryptophan. This variant is present in population databases (rs369481564, ExAC 0.01%). This variant has not been reported in the literature in individuals with PTCH2-related disease. Algorithms developed to predict the effect of missense changes on protein structure and function do not agree on the potential impact of this missense change (SIFT: "Deleterious"; PolyPhen-2: "Possibly Damaging"; Align-GVGD: "Class C0"). In summary, the available evidence is currently insufficient to determine the role of this variant in disease. Therefore, it has been classified as a Variant of Uncertain Significance.